The following is an entry in ClinVar:

ClinVar aggregate classification (germline): Uncertain significance (1 of 4 stars; one submission).

Conditions:
Leukoencephalopathy, diffuse hereditary, with spheroids 1 (HDLS1). Also called: DEMENTIA, FAMILIAL, NEUMANN TYPE; CSF1R-related adult-onset leukoencephalopathy with axonal spheroids and pigmented glia; SUBCORTICAL GLIOSIS OF NEUMANN. Identifiers: Orphanet 313808, MedGen C5561929, MONDO:0800027, OMIM 221820.

gnomAD v4.1: 1 of 1,607,180 alleles (0.000062%); highest among the groups gnomAD compares: Non-Finnish European, 0.000085%; no homozygotes.

Submission:

Neuberg Centre For Genomic Medicine, NCGM
Classification: Uncertain significance for Leukoencephalopathy, diffuse hereditary, with spheroids 1. Last evaluated: 2023-05-20. Review status: criteria provided, single submitter. Criteria: ACMG Guidelines, 2015. Collection method: clinical testing. Allele origin: germline. Inheritance: Autosomal dominant inheritance. Affected: yes.
Comment: The observed missense variant c.1510G>A (p.Gly504Arg) in CSF1R gene has not been reported previously as a pathogenic variant nor as a benign variant, to our knowledge. The p.Gly504Arg variant is present with an allele frequency of 0.0004% on gnomAD exomes database. This variant has not been submitted to the ClinVar database. Multiple lines of computational evidence (SIFT - tolerated; Polyphen - benign; MutationTaster - polymorphism) predict no damaging effect on protein structure and function for this variant. The amino acid change p.Gly504Arg in CSF1R is predicted as conserved by GERP++. The amino acid Gly at position 504 is changed to a Arg changing protein sequence and it might alter its composition and physico-chemical properties. For these reasons, this variant has been classified as a Variant of Uncertain Significance (VUS).

NM_001288705.3(CSF1R):c.1510G>A (p.Gly504Arg)

Gene: CSF1R (colony stimulating factor 1 receptor; minus strand). Cytogenetic location: 5q32.
Variant type: single nucleotide variant.
Coding change: c.1510G>A on transcript NM_001288705.3 (MANE Select); coding-DNA position 1510, G replaced by A.
Protein change: p.Gly504Arg; replaces glycine 504 with arginine.
Molecular consequence: missense variant. On other transcripts: non-coding transcript variant (2).
Genome position (GRCh38, 1-based): chr5:150,069,873, C>T on the plus strand (G>A on the coding strand, the complement: CSF1R is on the minus strand). VCF-style: chr5-150069873-C-T. GRCh37 (hg19) VCF-style: chr5-149449436-C-T.
Other names: c.1510G>A, p.Gly504Arg (NM_001349736.2, NM_001375320.1, NM_005211.4); c.1066G>A, p.Gly356Arg (NM_001375321.1); short protein forms G356R, G504R.
Identifiers: ClinVar variation 3367049 (VCV003367049.1).